The following is an entry in ClinVar:

ClinVar aggregate classification (germline): Uncertain significance (1 of 4 stars; one submission).

Allele frequency attached by ClinVar (database versions not stated): TOPMed 0.00001.

Submission:

Labcorp Genetics (formerly Invitae), Labcorp
Classification: Uncertain significance. Last evaluated: 2024-02-17. Review status: criteria provided, single submitter. Criteria: Invitae Variant Classification Sherloc (09022015). Collection method: clinical testing. Allele origin: germline.
Comment: This sequence change replaces aspartic acid, which is acidic and polar, with tyrosine, which is neutral and polar, at codon 761 of the RASGRP1 protein (p.Asp761Tyr). This variant is present in population databases (no rsID available, gnomAD 0.0009%). This variant has not been reported in the literature in individuals affected with RASGRP1-related conditions. ClinVar contains an entry for this variant (Variation ID: 2080892). An algorithm developed to predict the effect of missense changes on protein structure and function (PolyPhen-2) suggests that this variant is likely to be tolerated. In summary, the available evidence is currently insufficient to determine the role of this variant in disease. Therefore, it has been classified as a Variant of Uncertain Significance.

NM_005739.4(RASGRP1):c.2281G>T (p.Asp761Tyr)

Gene: RASGRP1 (RAS guanyl releasing protein 1; minus strand). Cytogenetic location: 15q14.
Variant type: single nucleotide variant.
Coding change: c.2281G>T on transcript NM_005739.4 (MANE Select); coding-DNA position 2281, G replaced by T.
Protein change: p.Asp761Tyr; replaces aspartic acid 761 with tyrosine.
Molecular consequence: missense variant.
Genome position (GRCh38, 1-based): chr15:38,490,667, C>A on the plus strand (G>T on the coding strand, the complement: RASGRP1 is on the minus strand). VCF-style: chr15-38490667-C-A. GRCh37 (hg19) VCF-style: chr15-38782868-C-A.
Other names: c.2176G>T, p.Asp726Tyr (NM_001128602.2); c.1790G>T, p.Arg597Ile (NM_001306086.2); short protein forms D726Y, R597I, D761Y.
Identifiers: ClinVar variation 2080892 (VCV002080892.4), dbSNP rs1299835406, ClinGen allele CA391661029.